The following is an entry in ClinVar:

ClinVar aggregate classification (germline): Uncertain significance (1 of 4 stars; one submission).

Submission:

GeneDx
Classification: Uncertain significance. Last evaluated: 2022-05-02. Review status: criteria provided, single submitter. Criteria: GeneDx Variant Classification Process June 2021. Collection method: clinical testing. Allele origin: germline. Affected: yes.
Comment: Not observed at significant frequency in large population cohorts (gnomAD); In silico analysis supports that this missense variant does not alter protein structure/function; Has not been previously published as pathogenic or benign to our knowledge

NM_001257291.2(SLC9A7):c.456A>T (p.Glu152Asp)

Gene: SLC9A7 (solute carrier family 9 member A7; minus strand). Cytogenetic location: Xp11.3.
Variant type: single nucleotide variant.
Coding change: c.456A>T on transcript NM_001257291.2 (MANE Select); coding-DNA position 456, A replaced by T.
Protein change: p.Glu152Asp; replaces glutamic acid 152 with aspartic acid.
Molecular consequence: missense variant.
Genome position (GRCh38, 1-based): chrX:46,682,405, T>A on the plus strand (A>T on the coding strand, the complement: SLC9A7 is on the minus strand). VCF-style: chrX-46682405-T-A. GRCh37 (hg19) VCF-style: chrX-46541840-T-A.
Other names: c.456A>T, p.Glu152Asp (NM_032591.3); short protein forms E152D.
Identifiers: ClinVar variation 1722854 (VCV001722854.2), dbSNP rs2519631359, ClinGen allele CA413034057.